The following is an entry in ClinVar:

ClinVar aggregate classification (germline): Likely benign. Review status: criteria provided, single submitter (1 of 4 stars). 2 submissions from 2 submitters: Likely benign (1). 1 of the submissions does not count toward it. Last evaluated 2025-08-22.

Conditions:
LEP-related disorder. Also called: LEP-related condition.

Allele frequency attached by ClinVar (database versions not stated): ExAC 0.00002; TOPMed 0.00004; gnomAD 0.00005; gnomAD exomes 0.00010.
gnomAD v4.1: 150 of 1,614,032 alleles (0.0093%); highest among the groups gnomAD compares: Non-Finnish European, 0.012%; no homozygotes.

Submissions (2):

Labcorp Genetics (formerly Invitae), Labcorp
Classification: Likely benign. Last evaluated: 2025-08-22. Review status: criteria provided, single submitter. Criteria: Invitae Variant Classification Sherloc (09022015). Collection method: clinical testing. Allele origin: germline.

PreventionGenetics, part of Exact Sciences
Classification: Likely benign for LEP-related condition. Last evaluated: 2022-01-18. Review status: no assertion criteria provided. Collection method: clinical testing. Allele origin: germline. Not counted in ClinVar's aggregate classification.
Comment: This variant is classified as likely benign based on ACMG/AMP sequence variant interpretation guidelines (Richards et al. 2015 PMID: 25741868, with internal and published modifications).

NM_000230.3(LEP):c.375G>A (p.Leu125=)

Gene: LEP (leptin; plus strand). Cytogenetic location: 7q32.1.
Variant type: single nucleotide variant.
Coding change: c.375G>A on transcript NM_000230.3 (MANE Select); coding-DNA position 375, G replaced by A.
Protein change: p.Leu125=; no amino-acid change (leucine 125 retained).
Molecular consequence: synonymous variant.
Genome position (GRCh38, 1-based): chr7:128,254,634, G>A. VCF-style: chr7-128254634-G-A. GRCh37 (hg19) VCF-style: chr7-127894687-G-A.
Identifiers: ClinVar variation 3050910 (VCV003050910.3), dbSNP rs199851800, ClinGen allele CA4469706.